The following is an entry in ClinVar:

NM_000179.3(MSH6):c.1295_1296insAA (p.Phe432fs)

Gene: MSH6 (mutS homolog 6; plus strand). Cytogenetic location: 2p16.3.
Variant type: Insertion.
Coding change: c.1295_1296insAA on transcript NM_000179.3 (MANE Select); coding-DNA positions 1295 to 1296, AA inserted.
Protein change: p.Phe432fs; shifts the reading frame from phenylalanine 432.
Molecular consequence: frameshift variant.
Genome position: GRCh38 VCF-style: chr2-47799278-T-TAA. GRCh37 (hg19) VCF-style: chr2-48026417-T-TAA.
Other names: c.905_906insAA, p.Phe302fs (NM_001281492.2); c.389_390insAA, p.Phe130fs (NM_001281493.2, NM_001281494.2); short protein forms F130fs, F302fs, F432fs.
Identifiers: ClinVar variation 410532 (VCV000410532.8), dbSNP rs1060502946, ClinGen allele CA16611128.

ClinVar aggregate classification (germline): Pathogenic (1 of 4 stars; one submission).

Conditions:
Hereditary nonpolyposis colorectal neoplasms. Identifiers: MedGen C0009405, MeSH D003123.

Submission:

Labcorp Genetics (formerly Invitae), Labcorp
Classification: Pathogenic for Hereditary nonpolyposis colorectal neoplasms. Last evaluated: 2016-10-09. Review status: criteria provided, single submitter. Criteria: Invitae Variant Classification Sherloc (09022015). Collection method: clinical testing. Allele origin: germline.
Comment: For these reasons, this variant has been classified as Pathogenic. While this particular variant has not been reported in the literature, loss-of-function variants in MSH6 are known to be pathogenic (PMID: 24362816, 18269114). This sequence change inserts 2 nucleotides in exon 4 of the MSH6 mRNA (c.1295_1296insAA), causing a frameshift at codon 432. This creates a premature translational stop signal (p.Phe432Leufs*22) and is expected to result in an absent or disrupted protein product.

Literature cited by the submitters: PubMed 24362816; PubMed 18269114.